The following is an entry in ClinVar:

ClinVar aggregate classification (germline): Benign (1 of 4 stars; one submission).

Allele frequency attached by ClinVar (database versions not stated): 1000 Genomes Project 0.17292; gnomAD 0.10224 and 0.10949; TOPMed 0.10814; 1000 Genomes Project 30x 0.16474.
gnomAD v4.1: 16,732 of 152,214 alleles (11%); highest among the groups gnomAD compares: East Asian, 51%; 1,531 homozygotes.

Submission:

GeneDx
Classification: Benign. Last evaluated: 2018-06-19. Review status: criteria provided, single submitter. Criteria: GeneDx Variant Classification (06012015). Collection method: clinical testing. Allele origin: germline. Affected: yes.
Comment: This variant is considered likely benign or benign based on one or more of the following criteria: it is a conservative change, it occurs at a poorly conserved position in the protein, it is predicted to be benign by multiple in silico algorithms, and/or has population frequency not consistent with disease.

NM_000141.5(FGFR2):c.1288-161G>A

Gene: FGFR2 (fibroblast growth factor receptor 2; minus strand). Cytogenetic location: 10q26.13.
Variant type: single nucleotide variant.
Coding change: c.1288-161G>A on transcript NM_000141.5 (MANE Select); 161 bases into the intron before coding-DNA position 1288, G replaced by A.
Molecular consequence: intron variant.
Genome position (GRCh38, 1-based): chr10:121,504,102, C>T on the plus strand (G>A on the coding strand, the complement: FGFR2 is on the minus strand). VCF-style: chr10-121504102-C-T. GRCh37 (hg19) VCF-style: chr10-123263616-C-T.
Other names: c.1024-161G>A (NM_001144919.2); c.1291-161G>A (NM_001144913.1, NM_022970.4); c.1282-161G>A (NM_001320658.2); c.1285-161G>A (NM_001441087.1); c.1021-161G>A (NM_001144915.2, NM_023029.3); c.943-161G>A (NM_001144916.2, NM_001441090.1); c.604-161G>A (NM_001320654.2); c.952-161G>A (NM_001144914.1); and 4 more.
Identifiers: ClinVar variation 671367 (VCV000671367.1), dbSNP rs3135772, ClinGen allele CA214297414.